The following is an entry in ClinVar:

ClinVar aggregate classification (germline): Pathogenic (1 of 4 stars; one submission).

Submission:

Labcorp Genetics (formerly Invitae), Labcorp
Classification: Pathogenic. Last evaluated: 2024-01-24. Review status: criteria provided, single submitter. Criteria: Invitae Variant Classification Sherloc (09022015). Collection method: clinical testing. Allele origin: germline.
Comment: This sequence change creates a premature translational stop signal (p.Ser28Profs*29) in the DGUOK gene. It is expected to result in an absent or disrupted protein product. Loss-of-function variants in DGUOK are known to be pathogenic (PMID: 18205204). This variant is not present in population databases (gnomAD no frequency). This premature translational stop signal has been observed in individual(s) with DGUOK-related conditions (PMID: 22622127). This variant is also known as c.81_c.82insCC. For these reasons, this variant has been classified as Pathogenic.

Literature cited by the submitters: PubMed 18205204; PubMed 22622127.

NM_080916.3(DGUOK):c.80_81dup (p.Ser28fs)

Genes: DGUOK (deoxyguanosine kinase; plus strand), LOC129934096 (ATAC-STARR-seq lymphoblastoid active region 16036; plus strand). Cytogenetic location: 2p13.1.
Variant type: Duplication.
Coding change: c.80_81dup on transcript NM_080916.3 (MANE Select); coding-DNA positions 80 to 81, 2 bases duplicated (CC; older notation c.80_81dupCC).
Protein change: p.Ser28fs; shifts the reading frame from serine 28.
Molecular consequence: frameshift variant. On other transcripts: 5 prime UTR variant (4), non-coding transcript variant (6).
Genome position (GRCh38, 1-based): chr2:73,926,990-73,926,991, CC duplicated. VCF-style (leftmost placement, unchanged base first): chr2-73926989-T-TCC. GRCh37 (hg19) VCF-style: chr2-74154116-T-TCC.
Other names: c.80_81dup, p.Ser28fs (NM_001318859.2, NM_080918.3); c.-99_-98dup (NM_001318860.2, NM_001318863.2); c.-185_-184dup (NM_001318861.2, NM_001318862.2); short protein forms S28fs.
Identifiers: ClinVar variation 2734237 (VCV002734237.3), dbSNP rs2466941660, ClinGen allele CA2577006486.